The following is an entry in ClinVar:

NC_012920.1(MT-ATP8):m.8418T>C

Gene: MT-ATP8 (mitochondrially encoded ATP synthase 8; plus strand).
Variant type: single nucleotide variant.
Genome position: chrM-8418-T-C.
Identifiers: ClinVar variation 370050 (VCV000370050.4), dbSNP rs1057516062, ClinGen allele CA16040650.

ClinVar aggregate classification (germline): Uncertain significance. Review status: reviewed by expert panel (3 of 4 stars). 3 submissions from 3 submitters: Uncertain significance (1). 2 of the submissions do not count toward it. Last evaluated 2024-11-11.

Conditions:
Mitochondrial disease. Also called: Mitochondrial disorders; Mitochondrial disorder. Identifiers: Orphanet 68380, MedGen C0751651, MeSH D028361, MONDO:0044970.
Optic neuropathy. Also called: Optic nerve disorder. Identifiers: MedGen C3887709, MONDO:0002135, HP:0001138.

Submissions (3):

ClinGen Mitochondrial Disease Nuclear and Mitochondrial  Variant Curation Expert Panel, ClinGen
Classification: Uncertain significance for Mitochondrial disease. Last evaluated: 2024-11-11. Review status: reviewed by expert panel. Criteria: clingen mito disease acmg specifications v1-1. Collection method: curation. Allele origin: germline. Inheritance: Mitochondrial inheritance.
Comment: The variant was present at homoplasmy in lymphocytes and fibroblasts. Family history information was not provided. There are no additional individuals reported with this variant to our knowledge. This variant is rare but present in population databases (Mitomap: 1/61,134; gnomAD v3.1.2: 5/46,432; Helix: 3/195,983) with a combined frequency of 0.00255%, which is slightly higher than the supporting pathogenic cutoff of 0.002% but lower than the frequency of 0.5-0.99% required for evidence of benign status. The computational predictor APOGEE gives a consensus rating of likely benign with a score of 0.175 (Min=0, Max=1), which predicts a neutral effect on gene function (BP4). There are no cybrids or single fiber studies reported on this variant although in-silico yeast modeling predicted this variant to destabilize the F0 domain of ATP8 (PMID: 37340059). In summary, this variant meets criteria to be classified as uncertain significance for primary mitochondrial disease inherited in a mitochondrial manner. This classification was approved by the NICHD/NINDS U24 ClinGen Mitochondrial Disease Variant Curation Expert Panel on November 11, 2024. Mitochondrial DNA-specific ACMG/AMP criteria applied (PMID: 32906214): BP4.

Mendelics
Classification: Uncertain significance. Last evaluated: 2022-05-04. Review status: criteria provided, single submitter. Criteria: Mendelics Assertion Criteria 2019. Collection method: clinical testing. Allele origin: germline. Not counted in ClinVar's aggregate classification.

Center for Neuroscience and Cell Biology, University of Coimbra, Portugal
Classification: Likely pathogenic for Optic neuropathy. Last evaluated: 2016-11-21. Review status: no assertion criteria provided. Collection method: clinical testing. Allele origin: unknown. Affected: yes. Not counted in ClinVar's aggregate classification.

Literature cited by the submitters: PubMed 28027978 (cited by Center for Neuroscience and Cell Biology, University of Coimbra, Portugal).